The following is an entry in ClinVar:

ClinVar aggregate classification (germline): Benign/Likely benign. Review status: criteria provided, multiple submitters, no conflicts (2 of 4 stars). 3 submissions from 3 submitters: Benign (1); Likely benign (2). Last evaluated 2025-11-10.

Conditions:
Melanoma-pancreatic cancer syndrome. Identifiers: Orphanet 404560, MedGen C1838547, MONDO:0011713, OMIM 606719. Disease mechanism: loss of function.
Familial melanoma. Also called: Hereditary melanoma; Hereditary cutaneous melanoma. Identifiers: Orphanet 618, MedGen C1512419, MONDO:0018961.
Hereditary cancer-predisposing syndrome. Also called: Neoplastic Syndromes, Hereditary; Tumor predisposition; Hereditary Cancer Syndrome; Hereditary neoplastic syndrome. Identifiers: Orphanet 140162, MedGen C0027672, MeSH D009386, MONDO:0015356.

Submissions (3):

Ambry Genetics
Classification: Likely benign for Hereditary cancer-predisposing syndrome. Last evaluated: 2025-11-10. Review status: criteria provided, single submitter. Criteria: Ambry Variant Classification Scheme 2023. Collection method: clinical testing. Allele origin: germline.

Myriad Genetics, Inc.
Classification: Benign for Melanoma-pancreatic cancer syndrome. Last evaluated: 2025-08-12. Review status: criteria provided, single submitter. Criteria: Myriad Autosomal Dominant, Autosomal Recessive and X-Linked Classification Criteria (2023). Collection method: clinical testing. Allele origin: unknown.
Comment: This variant is considered benign. This variant is a silent/synonymous amino acid change and it is not expected to impact splicing.

Labcorp Genetics (formerly Invitae), Labcorp
Classification: Likely benign for Familial melanoma. Last evaluated: 2021-04-03. Review status: criteria provided, single submitter. Criteria: Invitae Variant Classification Sherloc (09022015). Collection method: clinical testing. Allele origin: germline.

NM_058195.4(CDKN2A):c.117G>C (p.Ala39=)

Gene: CDKN2A (cyclin dependent kinase inhibitor 2A; minus strand). Cytogenetic location: 9p21.3.
Variant type: single nucleotide variant.
Coding change: c.117G>C on transcript NM_058195.4 (MANE Plus Clinical); coding-DNA position 117, G replaced by C.
Protein change: p.Ala39=; no amino-acid change (alanine 39 retained).
Molecular consequence: synonymous variant. On other transcripts: intron variant (1).
Genome position (GRCh38, 1-based): chr9:21,994,215, C>G on the plus strand (G>C on the coding strand, the complement: CDKN2A is on the minus strand). VCF-style: chr9-21994215-C-G. GRCh37 (hg19) VCF-style: chr9-21994214-C-G.
Other names: c.-4+606G>C (NM_001363763.2).
Identifiers: ClinVar variation 1635922 (VCV001635922.5), dbSNP rs2131148386, ClinGen allele CA464100306.